The following is an entry in ClinVar:

ClinVar aggregate classification (germline): Likely pathogenic (1 of 4 stars; one submission).

Conditions:
Muscular dystrophy, limb-girdle, autosomal recessive 23. Identifiers: Orphanet 565837, MedGen C4748327, MONDO:0029136, OMIM 618138.

Submission:

OLLIN Analises Genomicas, OLLIN
Classification: Likely pathogenic for Muscular dystrophy, limb-girdle, autosomal recessive 23. Last evaluated: 2026-02-13. Review status: criteria provided, single submitter. Criteria: ACMG Guidelines 2015 PMID 25741868. Collection method: clinical testing. Allele origin: germline. Observed: 1 variant allele.
Comment: PVS1, PM2_P

NM_000426.4(LAMA2):c.8638del (p.Asp2880fs)

Gene: LAMA2 (laminin subunit alpha 2; plus strand). Cytogenetic location: 6q22.33.
Variant type: Deletion.
Coding change: c.8638del on transcript NM_000426.4 (MANE Select); coding-DNA position 8638, one base deleted (G; older notation c.8638delG).
Protein change: p.Asp2880fs; shifts the reading frame from aspartic acid 2880.
Molecular consequence: frameshift variant.
Genome position (GRCh38, 1-based): chr6:129,505,290, G deleted; the last of 2 consecutive G bases (chr6:129,505,289-129,505,290); deleting either gives the same sequence. VCF-style (leftmost placement, unchanged base first): chr6-129505288-TG-T. GRCh37 (hg19) VCF-style: chr6-129826433-TG-T.
Other names: c.8626del, p.Asp2876fs (NM_001079823.2); short protein forms D2876fs, D2880fs.
Identifiers: ClinVar variation 4814168 (VCV004814168.1).